The following is an entry in ClinVar:

NM_000975.5(RPL11):c.311del (p.Asn104fs)

Gene: RPL11 (ribosomal protein L11; plus strand). Cytogenetic location: 1p36.11.
Variant type: Deletion.
Coding change: c.311del on transcript NM_000975.5 (MANE Select); coding-DNA position 311, one base deleted (A; older notation c.311delA).
Protein change: p.Asn104fs; shifts the reading frame from asparagine 104.
Molecular consequence: frameshift variant.
Genome position (GRCh38, 1-based): chr1:23,694,706, A deleted; the last of 3 consecutive A bases (chr1:23,694,704-23,694,706); deleting any one gives the same sequence. VCF-style (leftmost placement, unchanged base first): chr1-23694703-GA-G. GRCh37 (hg19) VCF-style: chr1-24021193-GA-G.
Other names: c.308del, p.Asn103fs (NM_001199802.1); short protein forms N103fs, N104fs.
Identifiers: ClinVar variation 2839617 (VCV002839617.3), dbSNP rs2523400088, ClinGen allele CA2739272378.

ClinVar aggregate classification (germline): Pathogenic (1 of 4 stars; one submission).

Conditions:
Diamond-Blackfan anemia. Also called: Blackfan Diamond syndrome; Aregenerative anemia chronic congenital; Red cell aplasia, pure hereditary; Congenital hypoplastic anemia; Aase syndrome. Identifiers: Orphanet 124, MedGen C1260899, MeSH D029503, MONDO:0015253, HP:0004810.

Submission:

Labcorp Genetics (formerly Invitae), Labcorp
Classification: Pathogenic for Diamond-Blackfan anemia. Last evaluated: 2023-02-21. Review status: criteria provided, single submitter. Criteria: Invitae Variant Classification Sherloc (09022015). Collection method: clinical testing. Allele origin: germline.
Comment: For these reasons, this variant has been classified as Pathogenic. This variant disrupts a region of the RPL11 protein in which other variant(s) (p.His155Glnfs*16) have been determined to be pathogenic (PMID: 19773262; Invitae). This suggests that this is a clinically significant region of the protein, and that variants that disrupt it are likely to be disease-causing. Algorithms developed to predict the effect of sequence changes on RNA splicing suggest that this variant may disrupt the consensus splice site. Experimental studies and prediction algorithms are not available or were not evaluated, and the functional significance of this variant is currently unknown. This variant has not been reported in the literature in individuals affected with RPL11-related conditions. This variant is not present in population databases (gnomAD no frequency). This sequence change results in a frameshift in the RPL11 gene (p.Asn104Thrfs*90). While this is not anticipated to result in nonsense mediated decay, it is expected to disrupt the last 75 amino acid(s) of the RPL11 protein and extend the protein by 14 additional amino acid residues.

Literature cited by the submitters: PubMed 19773262.